The following is an entry in ClinVar:

ClinVar aggregate classification (germline): Likely benign. Review status: criteria provided, multiple submitters, no conflicts (2 of 4 stars). 3 submissions from 3 submitters: Likely benign (2). 1 of the submissions does not count toward it. Last evaluated 2025-10-28.

Conditions:
GNE-related disorder. Also called: GNE-related condition.
GNE myopathy (NM). Also called: IBM 2; Inclusion body myopathy autosomal recessive; Inclusion body myopathy quadriceps sparing; MYOPATHY, DISTAL, WITH OR WITHOUT RIMMED VACUOLES; NONAKA DISTAL MYOPATHY; INCLUSION BODY MYOPATHY, HEREDITARY, AUTOSOMAL RECESSIVE. Identifiers: Orphanet 602, MedGen C1853926, MONDO:0011603, OMIM 605820.
Sialuria. Also called: SIALURIA, FRENCH TYPE; Sialic Acid Storage Disease. Identifiers: Orphanet 3166, MedGen C0342853, MONDO:0010028, OMIM 269921.

Allele frequency attached by ClinVar (database versions not stated): TOPMed 0.00001.

Submissions (3):

Labcorp Genetics (formerly Invitae), Labcorp
Classification: Likely benign for Sialuria; GNE myopathy. Last evaluated: 2025-10-28. Review status: criteria provided, single submitter. Criteria: Invitae Variant Classification Sherloc (09022015). Collection method: clinical testing. Allele origin: germline.

Blueprint Genetics
Classification: Likely benign. Last evaluated: 2022-02-17. Review status: criteria provided, single submitter. Criteria: ACMG Guidelines, 2015. Collection method: clinical testing. Allele origin: germline.

PreventionGenetics, part of Exact Sciences
Classification: Likely benign for GNE-related condition. Last evaluated: 2024-05-01. Review status: no assertion criteria provided. Collection method: clinical testing. Allele origin: germline. Not counted in ClinVar's aggregate classification.
Comment: This variant is classified as likely benign based on ACMG/AMP sequence variant interpretation guidelines (Richards et al. 2015 PMID: 25741868, with internal and published modifications).

NM_005476.7(GNE):c.648T>G (p.Val216=)

Gene: GNE (glucosamine (UDP-N-acetyl)-2-epimerase/N-acetylmannosamine kinase; minus strand). Cytogenetic location: 9p13.3.
Variant type: single nucleotide variant.
Coding change: c.648T>G on transcript NM_005476.7 (MANE Select); coding-DNA position 648, T replaced by G.
Protein change: p.Val216=; no amino-acid change (valine 216 retained).
Molecular consequence: synonymous variant. On other transcripts: intron variant (2).
Genome position (GRCh38, 1-based): chr9:36,236,953, A>C on the plus strand (T>G on the coding strand, the complement: GNE is on the minus strand). VCF-style: chr9-36236953-A-C. GRCh37 (hg19) VCF-style: chr9-36236950-A-C.
Other names: c.741T>G, p.Val247= (NM_001128227.3); c.648T>G, p.Val216= (NM_001190383.3); c.471T>G, p.Val157= (NM_001190388.2, NM_001374798.1); c.440-2821T>G (NM_001190384.3); c.617-2821T>G (NM_001374797.1); c.741T>G (NM_001128227.2).
Identifiers: ClinVar variation 1089119 (VCV001089119.12), dbSNP rs375728173, ClinGen allele CA192820945.